The following is an entry in ClinVar:

ClinVar aggregate classification (germline): Uncertain significance. Review status: criteria provided, multiple submitters, no conflicts (2 of 4 stars). 4 submissions from 4 submitters: Uncertain significance (4). Last evaluated 2026-03-16.

Conditions:
Developmental and epileptic encephalopathy, 18 (DEE18). Also called: Early infantile epileptic encephalopathy 18. Identifiers: Orphanet 369894, MedGen C3809624, MONDO:0014201, OMIM 615476.
Inborn genetic diseases. Identifiers: MedGen C0950123, MeSH D030342.

Allele frequency attached by ClinVar (database versions not stated): gnomAD 0.00001; TOPMed 0.00002; ExAC 0.00003; gnomAD exomes 0.00005.

Submissions (4):

GeneDx
Classification: Uncertain significance. Last evaluated: 2026-03-16. Review status: criteria provided, single submitter. Criteria: GeneDx Variant Classification Process June 2021. Collection method: clinical testing. Allele origin: germline.
Comment: Not observed at significant frequency in large population cohorts (gnomAD); In silico analysis supports that this missense variant has a deleterious effect on protein structure/function; Has not been previously published as pathogenic or benign to our knowledge

Ambry Genetics
Classification: Uncertain significance for Inborn genetic diseases. Last evaluated: 2023-12-20. Review status: criteria provided, single submitter. Criteria: Ambry Variant Classification Scheme 2023. Collection method: clinical testing. Allele origin: germline.

Genome-Nilou Lab
Classification: Uncertain significance for Developmental and epileptic encephalopathy, 18. Last evaluated: 2023-04-11. Review status: criteria provided, single submitter. Criteria: ACMG Guidelines, 2015. Collection method: clinical testing. Allele origin: germline. Affected: no.

Labcorp Genetics (formerly Invitae), Labcorp
Classification: Uncertain significance. Last evaluated: 2022-08-13. Review status: criteria provided, single submitter. Criteria: Invitae Variant Classification Sherloc (09022015). Collection method: clinical testing. Allele origin: germline.
Comment: This sequence change replaces phenylalanine, which is neutral and non-polar, with leucine, which is neutral and non-polar, at codon 3134 of the SZT2 protein (p.Phe3134Leu). This variant is present in population databases (rs752229528, gnomAD 0.007%). This variant has not been reported in the literature in individuals affected with SZT2-related conditions. ClinVar contains an entry for this variant (Variation ID: 1038182). Algorithms developed to predict the effect of missense changes on protein structure and function are either unavailable or do not agree on the potential impact of this missense change (SIFT: "Tolerated"; PolyPhen-2: "Probably Damaging"; Align-GVGD: "Class C0"). In summary, the available evidence is currently insufficient to determine the role of this variant in disease. Therefore, it has been classified as a Variant of Uncertain Significance.

NM_001365999.1(SZT2):c.9573C>G (p.Phe3191Leu)

Genes: SZT2 (SZT2 subunit of KICSTOR complex; plus strand), SZT2-AS1 (SZT2 antisense RNA 1; minus strand). Cytogenetic location: 1p34.2.
Variant type: single nucleotide variant.
Coding change: c.9573C>G on transcript NM_001365999.1 (MANE Select); coding-DNA position 9573, C replaced by G.
Protein change: p.Phe3191Leu; replaces phenylalanine 3191 with leucine.
Molecular consequence: missense variant.
Genome position (GRCh38, 1-based): chr1:43,448,088, C>G. VCF-style: chr1-43448088-C-G. GRCh37 (hg19) VCF-style: chr1-43913759-C-G.
Other names: c.9402C>G, p.Phe3134Leu (NM_015284.4); short protein forms F3134L, F3191L.
Identifiers: ClinVar variation 1038182 (VCV001038182.11), dbSNP rs752229528, ClinGen allele CA810967.